The following is an entry in ClinVar:

ClinVar aggregate classification (germline): Likely benign (0 of 4 stars; one submission).

Conditions:
PLXNA1-related disorder. Also called: PLXNA1-related condition.

Allele frequency attached by ClinVar (database versions not stated): ExAC 0.00003; gnomAD exomes 0.00003; TOPMed 0.00003; gnomAD 0.00005; ESP Exome Variant Server 0.00008.
gnomAD v4.1: 43 of 1,596,756 alleles (0.0027%); highest among the groups gnomAD compares: African/African-American, 0.004%; no homozygotes.

Submission:

PreventionGenetics, part of Exact Sciences
Classification: Likely benign for PLXNA1-related condition. Last evaluated: 2023-03-30. Review status: no assertion criteria provided. Collection method: clinical testing. Allele origin: germline.
Comment: This variant is classified as likely benign based on ACMG/AMP sequence variant interpretation guidelines (Richards et al. 2015 PMID: 25741868, with internal and published modifications).

NM_032242.4(PLXNA1):c.2559C>T (p.His853=)

Gene: PLXNA1 (plexin A1; plus strand). Cytogenetic location: 3q21.3.
Variant type: single nucleotide variant.
Coding change: c.2559C>T on transcript NM_032242.4 (MANE Select); coding-DNA position 2559, C replaced by T.
Protein change: p.His853=; no amino-acid change (histidine 853 retained).
Molecular consequence: synonymous variant.
Genome position (GRCh38, 1-based): chr3:127,014,330, C>T. VCF-style: chr3-127014330-C-T. GRCh37 (hg19) VCF-style: chr3-126733173-C-T.
Identifiers: ClinVar variation 3032703 (VCV003032703.2), dbSNP rs376319969, ClinGen allele CA2593660.